The following is an entry in ClinVar:

NM_001276270.2(MBD4):c.1625T>C (p.Phe542Ser)

Gene: MBD4 (methyl-CpG binding domain 4, DNA glycosylase; minus strand). Cytogenetic location: 3q21.3.
Variant type: single nucleotide variant.
Coding change: c.1625T>C on transcript NM_001276270.2 (MANE Select); coding-DNA position 1625, T replaced by C.
Protein change: p.Phe542Ser; replaces phenylalanine 542 with serine.
Molecular consequence: missense variant. On other transcripts: intron variant (1).
Genome position (GRCh38, 1-based): chr3:129,432,525, A>G on the plus strand (T>C on the coding strand, the complement: MBD4 is on the minus strand). VCF-style: chr3-129432525-A-G. GRCh37 (hg19) VCF-style: chr3-129151368-A-G.
Other names: c.1643T>C, p.Phe548Ser (NM_001276271.2, NM_003925.3); c.689T>C, p.Phe230Ser (NM_001276273.2); c.1612+31T>C (NM_001276272.2); short protein forms F548S, F230S, F542S.
Identifiers: ClinVar variation 2250702 (VCV002250702.4), dbSNP rs747631084, ClinGen allele CA2605244.

ClinVar aggregate classification (germline): Uncertain significance. Review status: criteria provided, multiple submitters, no conflicts (2 of 4 stars). 2 submissions from 2 submitters: Uncertain significance (2). Last evaluated 2025-08-18.

Conditions:
Inborn genetic diseases. Identifiers: MedGen C0950123, MeSH D030342.

Allele frequency attached by ClinVar (database versions not stated): ExAC 0.00001.

Submissions (2):

Labcorp Genetics (formerly Invitae), Labcorp
Classification: Uncertain significance. Last evaluated: 2025-08-18. Review status: criteria provided, single submitter. Criteria: Invitae Variant Classification Sherloc (09022015). Collection method: clinical testing. Allele origin: germline.
Comment: This sequence change replaces phenylalanine, which is neutral and non-polar, with serine, which is neutral and polar, at codon 548 of the MBD4 protein (p.Phe548Ser). This variant is present in population databases (rs747631084, gnomAD 0.0009%). This variant has not been reported in the literature in individuals affected with MBD4-related conditions. ClinVar contains an entry for this variant (Variation ID: 2250702). An algorithm developed to predict the effect of missense changes on protein structure and function (PolyPhen-2) suggests that this variant is likely to be disruptive. In summary, the available evidence is currently insufficient to determine the role of this variant in disease. Therefore, it has been classified as a Variant of Uncertain Significance.

Ambry Genetics
Classification: Uncertain significance for Inborn genetic diseases. Last evaluated: 2021-09-16. Review status: criteria provided, single submitter. Criteria: Ambry Variant Classification Scheme 2023. Collection method: clinical testing. Allele origin: germline.